The following is an entry in ClinVar:

NM_139027.6(ADAMTS13):c.1385C>T (p.Pro462Leu)

Gene: ADAMTS13 (ADAM metallopeptidase with thrombospondin type 1 motif 13; plus strand). Cytogenetic location: 9q34.2.
Variant type: single nucleotide variant.
Coding change: c.1385C>T on transcript NM_139027.6 (MANE Select); coding-DNA position 1385, C replaced by T.
Protein change: p.Pro462Leu; replaces proline 462 with leucine.
Molecular consequence: missense variant.
Genome position (GRCh38, 1-based): chr9:133,436,905, C>T. VCF-style: chr9-133436905-C-T. GRCh37 (hg19) VCF-style: chr9-136302025-C-T.
Other names: c.1385C>T, p.Pro462Leu (NM_139025.5); c.1292C>T, p.Pro431Leu (NM_139026.6); short protein forms P431L, P462L.
Identifiers: ClinVar variation 1703784 (VCV001703784.1), dbSNP rs782497226, ClinGen allele CA200929665.
Genomic context (GRCh38, chr9:133,436,905, plus strand): 5'-AGCTGGAGTTCATGTCGCAACAGTGCGCCAGGACCGACGGCCAGCCGCTGCGCTCCTCCC[C>T]TGGCGGCGCCTCCTTCTACCACTGGGGTGCTGCTGTACCACACAGCCAAGGTGGGGCCTG-3'
Protein context (NP_620596.2, residues 452-472): RTDGQPLRSS[Pro462Leu]GGASFYHWGA

ClinVar aggregate classification (germline): Uncertain significance (1 of 4 stars; one submission).

Conditions:
Thrombus. Identifiers: MedGen C0087086, MeSH D013927.

Allele frequency attached by ClinVar (database versions not stated): TOPMed below 0.00001; gnomAD 0.00001; gnomAD exomes 0.00001; ExAC 0.00004.
gnomAD v4.1: 8 of 1,588,528 alleles (0.0005%); highest among the groups gnomAD compares: Admixed American, 0.0018%; no homozygotes.

Submission:

ISTH-SSC Genomics in Thrombosis and Hemostasis, KU Leuven, Center for Molecular and Vascular Biology
Classification: Uncertain significance for Thrombus. Review status: criteria provided, single submitter. Criteria: ACMG Guidelines, 2015. Collection method: clinical testing. Allele origin: germline. Affected: yes. Observed: 1 compound heterozygote.
Comment: Submitted to GoldVariant by Kathleen Freson, Center for Molecular and Vascular Biology, Leuven, Belgium